The following is an entry in ClinVar:

ClinVar aggregate classification (germline): Uncertain significance (1 of 4 stars; one submission).

Conditions:
Autosomal recessive limb-girdle muscular dystrophy type 2J (LGMDR10). Also called: Limb-girdle muscular dystrophy, type 2J; MUSCULAR DYSTROPHY, LIMB-GIRDLE, AUTOSOMAL RECESSIVE 10. Identifiers: Orphanet 140922, MedGen C1837342, MONDO:0012127, OMIM 608807.
Dilated cardiomyopathy 1G (CMD1G). Identifiers: Orphanet 154, MedGen C1858763, MONDO:0011400, OMIM 604145.

Submission:

Labcorp Genetics (formerly Invitae), Labcorp
Classification: Uncertain significance for Dilated cardiomyopathy 1G; Autosomal recessive limb-girdle muscular dystrophy type 2J. Last evaluated: 2025-12-16. Review status: criteria provided, single submitter. Criteria: Invitae Variant Classification Sherloc (09022015). Collection method: clinical testing. Allele origin: germline.
Comment: This sequence change replaces histidine, which is basic and polar, with aspartic acid, which is acidic and polar, at codon 34144 of the TTN protein (p.His34144Asp). This variant is not present in population databases (gnomAD no frequency). This variant has not been reported in the literature in individuals affected with TTN-related conditions. Experimental studies and prediction algorithms are not available or were not evaluated, and the functional significance of this variant is currently unknown. This variant is located in the M band of TTN (PMID: 25589632). Non-truncating variants in this region may be relevant for neuromuscular disorders, but have not been definitively shown to cause cardiomyopathy (PMID: 23975875). In summary, the available evidence is currently insufficient to determine the role of this variant in disease. Therefore, it has been classified as a Variant of Uncertain Significance.

Literature cited by the submitters: PubMed 25589632; PubMed 23975875.

NM_001267550.2(TTN):c.102430C>G (p.His34144Asp)

Genes: TTN (titin; minus strand), TTN-AS1 (TTN antisense RNA 1; plus strand). Cytogenetic location: 2q31.2.
Variant type: single nucleotide variant.
Coding change: c.102430C>G on transcript NM_001267550.2 (MANE Select); coding-DNA position 102430, C replaced by G.
Protein change: p.His34144Asp; replaces histidine 34144 with aspartic acid.
Molecular consequence: missense variant.
Genome position (GRCh38, 1-based): chr2:178,534,185, G>C on the plus strand (C>G on the coding strand, the complement: TTN is on the minus strand). VCF-style: chr2-178534185-G-C. GRCh37 (hg19) VCF-style: chr2-179398912-G-C.
Other names: c.97507C>G, p.His32503Asp (NM_001256850.1); c.75235C>G, p.His25079Asp (NM_003319.4); c.94726C>G, p.His31576Asp (NM_133378.4); c.75610C>G, p.His25204Asp (NM_133432.3); c.75811C>G, p.His25271Asp (NM_133437.4); short protein forms H25204D, H25271D, H31576D, H25079D, H32503D, H34144D.
Identifiers: ClinVar variation 4784805 (VCV004784805.1).